The following is an entry in ClinVar:

NM_020806.5(GPHN):c.487C>T (p.Pro163Ser)

Gene: GPHN (gephyrin; plus strand). Cytogenetic location: 14q23.3.
Variant type: single nucleotide variant.
Coding change: c.487C>T on transcript NM_020806.5 (MANE Select); coding-DNA position 487, C replaced by T.
Protein change: p.Pro163Ser; replaces proline 163 with serine.
Molecular consequence: missense variant.
Genome position (GRCh38, 1-based): chr14:66,922,696, C>T. VCF-style: chr14-66922696-C-T. GRCh37 (hg19) VCF-style: chr14-67389413-C-T.
Other names: c.487C>T, p.Pro163Ser (NM_001024218.2, NM_001377515.1, NM_001377516.1 and 2 more transcripts); c.526C>T, p.Pro176Ser (NM_001377514.1, NM_001377519.1); short protein forms P163S, P176S.
Identifiers: ClinVar variation 4743944 (VCV004743944.1).
Genomic context (GRCh38, chr14:66,922,696, plus strand): 5'-TTAATTTTTTTTTCTTTCTCTTGCATACAGGAATGCTTTCAATTCATACTGCCAGCTCTA[C>T]CTCATGCCATTGACCTTTTACGTGATGCCATTGTAAAAGTAAAGGAGGTGCATGATGAAC-3'
Protein context (NP_065857.1, residues 153-173): ECFQFILPAL[Pro163Ser]HAIDLLRDAI

ClinVar aggregate classification (germline): Uncertain significance (1 of 4 stars; one submission).

Conditions:
Sulfite oxidase deficiency due to molybdenum cofactor deficiency type C. Also called: Molybdenum cofactor deficiency, complementation group C; Molybdenum cofactor deficiency C. Identifiers: Orphanet 308400, Orphanet 833, MedGen C1854990, MONDO:0014212, OMIM 615501.

Submission:

Labcorp Genetics (formerly Invitae), Labcorp
Classification: Uncertain significance for Sulfite oxidase deficiency due to molybdenum cofactor deficiency type C. Last evaluated: 2025-09-01. Review status: criteria provided, single submitter. Criteria: Invitae Variant Classification Sherloc (09022015). Collection method: clinical testing. Allele origin: germline.
Comment: This sequence change replaces proline, which is neutral and non-polar, with serine, which is neutral and polar, at codon 163 of the GPHN protein (p.Pro163Ser). This variant is not present in population databases (gnomAD no frequency). This variant has not been reported in the literature in individuals affected with GPHN-related conditions. Invitae Evidence Modeling of protein sequence and biophysical properties (such as structural, functional, and spatial information, amino acid conservation, physicochemical variation, residue mobility, and thermodynamic stability) indicates that this missense variant is not expected to disrupt GPHN protein function with a negative predictive value of 80%. In summary, the available evidence is currently insufficient to determine the role of this variant in disease. Therefore, it has been classified as a Variant of Uncertain Significance.